The following is an entry in ClinVar:

ClinVar aggregate classification (germline): Uncertain significance (1 of 4 stars; one submission).

Conditions:
Hereditary cancer-predisposing syndrome. Also called: Neoplastic Syndromes, Hereditary; Tumor predisposition; Hereditary Cancer Syndrome; Hereditary neoplastic syndrome. Identifiers: Orphanet 140162, MedGen C0027672, MeSH D009386, MONDO:0015356.

Submission:

Ambry Genetics
Classification: Uncertain significance for Hereditary cancer-predisposing syndrome. Last evaluated: 2018-08-20. Review status: criteria provided, single submitter. Criteria: Ambry Variant Classification Scheme 2023. Collection method: clinical testing. Allele origin: germline.
Comment: The p.L111M variant (also known as c.331C>A), located in coding exon 4 of the PMS2 gene, results from a C to A substitution at nucleotide position 331. The leucine at codon 111 is replaced by methionine, an amino acid with highly similar properties. This amino acid position is highly conserved in available vertebrate species. In addition, this alteration is predicted to be deleterious by in silico analysis. Since supporting evidence is limited at this time, the clinical significance of this alteration remains unclear.

NM_000535.7(PMS2):c.331C>A (p.Leu111Met)

Gene: PMS2 (PMS1 homolog 2, mismatch repair system component; minus strand). Cytogenetic location: 7p22.1.
Variant type: single nucleotide variant.
Coding change: c.331C>A on transcript NM_000535.7 (MANE Select); coding-DNA position 331, C replaced by A.
Protein change: p.Leu111Met; replaces leucine 111 with methionine.
Molecular consequence: missense variant. On other transcripts: 5 prime UTR variant (9), non-coding transcript variant (1), intron variant (2).
Genome position (GRCh38, 1-based): chr7:6,003,712, G>T on the plus strand (C>A on the coding strand, the complement: PMS2 is on the minus strand). VCF-style: chr7-6003712-G-T. GRCh37 (hg19) VCF-style: chr7-6043343-G-T.
Other names: c.-75C>A (NM_001018040.1, NM_001322003.2, NM_001322004.2 and 14 more transcripts); c.331C>A, p.Leu111Met (NM_001322006.2, NM_001322014.2, NM_001406869.1 and 8 more transcripts); c.-554C>A (NM_001322011.2, NM_001322012.2); c.-154C>A (NM_001322015.2, NM_001406875.1, NM_001406877.1 and 3 more transcripts); c.517C>A, p.Leu173Met (NM_001406866.1); c.355C>A, p.Leu119Met (NM_001406868.1); c.-65C>A (NM_001406890.1); c.35+260C>A (NM_001322008.2, NM_001322007.2); short protein forms L111M, L119M, L173M.
Identifiers: ClinVar variation 1730175 (VCV001730175.2), dbSNP rs864622232, ClinGen allele CA366744568.